The following is an entry in ClinVar:

ClinVar aggregate classification (germline): Uncertain significance (1 of 4 stars; one submission).

Conditions:
Developmental and epileptic encephalopathy, 53. Also called: Epileptic encephalopathy, early infantile, 53. Identifiers: MedGen C4479313, MONDO:0033362, OMIM 617389.
Early-onset Parkinson disease 20. Also called: PARKINSON DISEASE 20, AUTOSOMAL RECESSIVE EARLY-ONSET. Identifiers: Orphanet 391411, MedGen C3809824, MONDO:0014233, OMIM 615530.

Submission:

Labcorp Genetics (formerly Invitae), Labcorp
Classification: Uncertain significance for Developmental and epileptic encephalopathy, 53; Early-onset Parkinson disease 20. Last evaluated: 2022-08-28. Review status: criteria provided, single submitter. Criteria: Invitae Variant Classification Sherloc (09022015). Collection method: clinical testing. Allele origin: germline.
Comment: This sequence change replaces phenylalanine, which is neutral and non-polar, with serine, which is neutral and polar, at codon 1504 of the SYNJ1 protein (p.Phe1504Ser). This variant is not present in population databases (gnomAD no frequency). This variant has not been reported in the literature in individuals affected with SYNJ1-related conditions. ClinVar contains an entry for this variant (Variation ID: 1508400). Algorithms developed to predict the effect of missense changes on protein structure and function output the following: SIFT: "Deleterious"; PolyPhen-2: "Benign"; Align-GVGD: "Class C0". The serine amino acid residue is found in multiple mammalian species, which suggests that this missense change does not adversely affect protein function. In summary, the available evidence is currently insufficient to determine the role of this variant in disease. Therefore, it has been classified as a Variant of Uncertain Significance.

NM_203446.3(SYNJ1):c.*482T>C

Gene: SYNJ1 (synaptojanin 1; minus strand). Cytogenetic location: 21q22.11.
Variant type: single nucleotide variant.
Coding change: c.*482T>C on transcript NM_203446.3 (MANE Select); 482 bases downstream of the stop codon, T replaced by C.
Molecular consequence: 3 prime UTR variant. On other transcripts: missense variant (2).
Genome position (GRCh38, 1-based): chr21:32,631,323, A>G on the plus strand (T>C on the coding strand, the complement: SYNJ1 is on the minus strand). VCF-style: chr21-32631323-A-G. GRCh37 (hg19) VCF-style: chr21-34003633-A-G.
Other names: c.*482T>C (NM_001160302.2); c.4253T>C, p.Phe1418Ser (NM_001160306.2); c.4511T>C, p.Phe1504Ser (NM_003895.4); short protein forms F1418S, F1504S.
Identifiers: ClinVar variation 1508400 (VCV001508400.7), dbSNP rs2145656729, ClinGen allele CA410081509.